The following is an entry in ClinVar:

ClinVar aggregate classification (germline): Pathogenic. Review status: criteria provided, multiple submitters, no conflicts (2 of 4 stars). 2 submissions from 2 submitters: Pathogenic (2). Last evaluated 2023-05-31.

Conditions:
Cornelia de Lange syndrome 1 (CDLS1). Also called: Brachmann de Lange syndrome; NIPBL-Related Cornelia de Lange Syndrome; TYPUS DEGENERATIVUS AMSTELODAMENSIS. Identifiers: Orphanet 199, MedGen C4551851, MONDO:0007387, OMIM 122470.

Submissions (2):

Labcorp Genetics (formerly Invitae), Labcorp
Classification: Pathogenic for Cornelia de Lange syndrome 1. Last evaluated: 2023-05-31. Review status: criteria provided, single submitter. Criteria: Invitae Variant Classification Sherloc (09022015). Collection method: clinical testing. Allele origin: germline.
Comment: For these reasons, this variant has been classified as Pathogenic. ClinVar contains an entry for this variant (Variation ID: 159167). This premature translational stop signal has been observed in individual(s) with Cornelia de Lange syndrome (PMID: 30614194). This variant is not present in population databases (gnomAD no frequency). This sequence change creates a premature translational stop signal (p.Gln200*) in the NIPBL gene. It is expected to result in an absent or disrupted protein product. Loss-of-function variants in NIPBL are known to be pathogenic (PMID: 15318302, 19763162, 23505322, 29995837).

Genetic Services Laboratory, University of Chicago
Classification: Pathogenic for Cornelia de Lange syndrome 1. Last evaluated: 2013-10-16. Review status: criteria provided, single submitter. Criteria: ACMG Guidelines, 2007. Collection method: clinical testing. Allele origin: germline. Inheritance: Autosomal dominant inheritance. Affected: yes.

Literature cited by the submitters: PubMed 30614194 (cited by Labcorp Genetics (formerly Invitae), Labcorp); PubMed 15318302 (cited by Labcorp Genetics (formerly Invitae), Labcorp); PubMed 19763162 (cited by Labcorp Genetics (formerly Invitae), Labcorp); PubMed 23505322 (cited by Labcorp Genetics (formerly Invitae), Labcorp); PubMed 29995837 (cited by Labcorp Genetics (formerly Invitae), Labcorp).

NM_133433.4(NIPBL):c.598C>T (p.Gln200Ter)

Gene: NIPBL (NIPBL cohesin loading factor; plus strand). Cytogenetic location: 5p13.2.
Variant type: single nucleotide variant.
Coding change: c.598C>T on transcript NM_133433.4 (MANE Select); coding-DNA position 598, C replaced by T.
Protein change: p.Gln200Ter; replaces glutamine 200 with a stop codon.
Molecular consequence: nonsense.
Genome position (GRCh38, 1-based): chr5:36,962,262, C>T. VCF-style: chr5-36962262-C-T. GRCh37 (hg19) VCF-style: chr5-36962364-C-T.
Other names: c.598C>T, p.Gln200Ter (NM_015384.5); short protein forms Q200*.
Identifiers: ClinVar variation 159167 (VCV000159167.9), dbSNP rs587783988, ClinGen allele CA272180.